The following is an entry in ClinVar:

ClinVar aggregate classification (germline): Uncertain significance (1 of 4 stars; one submission).

Conditions:
Fanconi anemia complementation group J. Also called: BRIP1-Related Fanconi Anemia. Identifiers: Orphanet 84, MedGen C1836860, MONDO:0012187, OMIM 609054.
Familial cancer of breast. Also called: Hereditary breast cancer; hereditary breast carcinoma; BREAST CANCER, FAMILIAL. Identifiers: Orphanet 227535, MedGen C0346153, MONDO:0016419, OMIM 114480. Disease mechanism: loss of function.

Submission:

Labcorp Genetics (formerly Invitae), Labcorp
Classification: Uncertain significance for Familial cancer of breast; Fanconi anemia complementation group J. Last evaluated: 2025-09-07. Review status: criteria provided, single submitter. Criteria: Invitae Variant Classification Sherloc (09022015). Collection method: clinical testing. Allele origin: germline.
Comment: This sequence change replaces arginine, which is basic and polar, with lysine, which is basic and polar, at codon 265 of the BRIP1 protein (p.Arg265Lys). This variant is not present in population databases (gnomAD no frequency). This variant has not been reported in the literature in individuals affected with BRIP1-related conditions. Invitae Evidence Modeling of protein sequence and biophysical properties (such as structural, functional, and spatial information, amino acid conservation, physicochemical variation, residue mobility, and thermodynamic stability) indicates that this missense variant is not expected to disrupt BRIP1 protein function with a negative predictive value of 95%. In summary, the available evidence is currently insufficient to determine the role of this variant in disease. Therefore, it has been classified as a Variant of Uncertain Significance.

NM_032043.3(BRIP1):c.794G>A (p.Arg265Lys)

Gene: BRIP1 (BRCA1 interacting DNA helicase 1; minus strand). Cytogenetic location: 17q23.2.
Variant type: single nucleotide variant.
Coding change: c.794G>A on transcript NM_032043.3 (MANE Select); coding-DNA position 794, G replaced by A.
Protein change: p.Arg265Lys; replaces arginine 265 with lysine.
Molecular consequence: missense variant.
Genome position (GRCh38, 1-based): chr17:61,808,591, C>T on the plus strand (G>A on the coding strand, the complement: BRIP1 is on the minus strand). VCF-style: chr17-61808591-C-T. GRCh37 (hg19) VCF-style: chr17-59885952-C-T.
Other names: short protein forms R265K.
Identifiers: ClinVar variation 4783578 (VCV004783578.1).